The following is an entry in ClinVar:

ClinVar aggregate classification (germline): Likely benign. Review status: criteria provided, multiple submitters, no conflicts (2 of 4 stars). 2 submissions from 2 submitters: Likely benign (2). Last evaluated 2025-03-23.

Conditions:
Developmental and epileptic encephalopathy, 27 (DEE27). Also called: GRIN2B-Related Neurodevelopmental Disorder; Epileptic encephalopathy, early infantile, 27. Identifiers: Orphanet 3451, MedGen C4015316, MONDO:0014505, OMIM 616139.
Intellectual developmental disorder, autosomal dominant 6, with or without seizures. Also called: GRIN2B-related developmental delay, intellectual disability and autism spectrum disorder; Intellectual disability, autosomal dominant 6. Identifiers: Orphanet 589547, MedGen C3151411, MONDO:0013509, OMIM 613970.

Allele frequency attached by ClinVar (database versions not stated): TOPMed 0.00002; gnomAD 0.00005 and 0.00003.
gnomAD v4.1: 14 of 1,548,642 alleles (0.0009%); highest among the groups gnomAD compares: African/African-American, 0.018%; no homozygotes.

Submissions (2):

Labcorp Genetics (formerly Invitae), Labcorp
Classification: Likely benign for Developmental and epileptic encephalopathy, 27; Intellectual developmental disorder, autosomal dominant 6, with or without seizures. Last evaluated: 2025-03-23. Review status: criteria provided, single submitter. Criteria: Invitae Variant Classification Sherloc (09022015). Collection method: clinical testing. Allele origin: germline.

GeneDx
Classification: Likely benign. Last evaluated: 2018-02-27. Review status: criteria provided, single submitter. Criteria: GeneDx Variant Classification (06012015). Collection method: clinical testing. Allele origin: germline. Affected: yes.
Comment: This variant is considered likely benign or benign based on one or more of the following criteria: it is a conservative change, it occurs at a poorly conserved position in the protein, it is predicted to be benign by multiple in silico algorithms, and/or has population frequency not consistent with disease.

NM_000834.5(GRIN2B):c.2359+16G>A

Gene: GRIN2B (glutamate ionotropic receptor NMDA type subunit 2B; minus strand). Cytogenetic location: 12p13.1.
Variant type: single nucleotide variant.
Coding change: c.2359+16G>A on transcript NM_000834.5 (MANE Select); 16 bases into the intron after coding-DNA position 2359, G replaced by A.
Molecular consequence: intron variant.
Genome position (GRCh38, 1-based): chr12:13,569,814, C>T on the plus strand (G>A on the coding strand, the complement: GRIN2B is on the minus strand). VCF-style: chr12-13569814-C-T. GRCh37 (hg19) VCF-style: chr12-13722748-C-T.
Identifiers: ClinVar variation 515689 (VCV000515689.9), dbSNP rs781365670, ClinGen allele CA6461077.
Genomic context (GRCh38, chr12:13,569,814, plus strand): 5'-AAGAAAAGGAAAGGTTGATGTTTTGGACTGGCCATCAGTAGAGGACAAATGGGCACTTTC[C>T]CTTTCTTGAACTCACCATCTCCAAAGAGCTGCAGGATAGCAAGGTCCACCTGGCGCTTCC-3'